The following is an entry in ClinVar:

ClinVar aggregate classification (germline): Uncertain significance (1 of 4 stars; one submission).

Conditions:
Hereditary pancreatitis (PCTT). Also called: Hereditary chronic pancreatitis; PRSS1-Related Hereditary Pancreatitis. Identifiers: Orphanet 676, MedGen C0238339, MONDO:0008185, OMIM 167800.

Allele frequency attached by ClinVar (database versions not stated): gnomAD exomes 0.00001.
gnomAD v4.1: 4 of 1,614,142 alleles (0.00025%); highest among the groups gnomAD compares: South Asian, 0.0033%; no homozygotes.

Submission:

Ambry Genetics
Classification: Uncertain significance for Hereditary pancreatitis. Last evaluated: 2024-02-06. Review status: criteria provided, single submitter. Criteria: Ambry Variant Classification Scheme 2023. Collection method: clinical testing. Allele origin: germline.
Comment: The p.W261R variant (also known as c.781T>C), located in coding exon 7 of the CTRC gene, results from a T to C substitution at nucleotide position 781. The tryptophan at codon 261 is replaced by arginine, an amino acid with dissimilar properties. This amino acid position is conserved. In addition, this alteration is predicted to be deleterious by in silico analysis. Since supporting evidence is limited at this time, the clinical significance of this alteration remains unclear.

NM_007272.3(CTRC):c.781T>C (p.Trp261Arg)

Gene: CTRC (chymotrypsin C; plus strand). Cytogenetic location: 1p36.21.
Variant type: single nucleotide variant.
Coding change: c.781T>C on transcript NM_007272.3 (MANE Select); coding-DNA position 781, T replaced by C.
Protein change: p.Trp261Arg; replaces tryptophan 261 with arginine.
Molecular consequence: missense variant.
Genome position (GRCh38, 1-based): chr1:15,445,738, T>C. VCF-style: chr1-15445738-T-C. GRCh37 (hg19) VCF-style: chr1-15772233-T-C.
Other names: short protein forms W261R.
Identifiers: ClinVar variation 1760773 (VCV001760773.2), dbSNP rs1183027748, ClinGen allele CA338568030.
Genomic context (GRCh38, chr1:15,445,738, plus strand): 5'-CGGGGCTGCAACACCCGCAAGAAGCCGGTAGTCTACACCCGGGTGTCCGCCTACATCGAC[T>C]GGATCAACGAGGTGGGTGCTGCCTCCACAGCTGTCCCTGCACCTGTCAGCCCCTCCCCCT-3'
Protein context (NP_009203.2, residues 251-268): VYTRVSAYID[Trp261Arg]INEKMQL